The following is an entry in ClinVar:

NM_003803.4(MYOM1):c.3281C>T (p.Ala1094Val)

Gene: MYOM1 (myomesin 1; minus strand). Cytogenetic location: 18p11.31.
Variant type: single nucleotide variant.
Coding change: c.3281C>T on transcript NM_003803.4 (MANE Select); coding-DNA position 3281, C replaced by T.
Protein change: p.Ala1094Val; replaces alanine 1094 with valine.
Molecular consequence: missense variant.
Genome position (GRCh38, 1-based): chr18:3,116,353, G>A on the plus strand (C>T on the coding strand, the complement: MYOM1 is on the minus strand). VCF-style: chr18-3116353-G-A. GRCh37 (hg19) VCF-style: chr18-3116351-G-A.
Other names: c.2993C>T, p.Ala998Val (NM_019856.2); short protein forms A1094V, A998V.
Identifiers: ClinVar variation 2119229 (VCV002119229.4), dbSNP rs867901671, ClinGen allele CA295504604.

ClinVar aggregate classification (germline): Uncertain significance (1 of 4 stars; one submission).

Conditions:
Hypertrophic cardiomyopathy. Also called: HYPERTROPHIC MYOCARDIOPATHY. Identifiers: Orphanet 217569, MedGen C0007194, MeSH D002312, MONDO:0005045, HP:0001639.

Submission:

Labcorp Genetics (formerly Invitae), Labcorp
Classification: Uncertain significance for Hypertrophic cardiomyopathy. Last evaluated: 2022-03-29. Review status: criteria provided, single submitter. Criteria: Invitae Variant Classification Sherloc (09022015). Collection method: clinical testing. Allele origin: germline.
Comment: In summary, the available evidence is currently insufficient to determine the role of this variant in disease. Therefore, it has been classified as a Variant of Uncertain Significance. Algorithms developed to predict the effect of missense changes on protein structure and function output the following: SIFT: "Tolerated"; PolyPhen-2: "Benign"; Align-GVGD: "Class C0". The valine amino acid residue is found in multiple mammalian species, which suggests that this missense change does not adversely affect protein function. This variant has not been reported in the literature in individuals affected with MYOM1-related conditions. This variant is not present in population databases (gnomAD no frequency). This sequence change replaces alanine, which is neutral and non-polar, with valine, which is neutral and non-polar, at codon 1094 of the MYOM1 protein (p.Ala1094Val).